The following is an entry in ClinVar:

ClinVar aggregate classification (germline): Likely benign (0 of 4 stars; one submission).

Conditions:
PCSK1-related disorder. Also called: PCSK1-related condition.

gnomAD v4.1: 6 of 1,613,910 alleles (0.00037%); highest among the groups gnomAD compares: Admixed American, 0.0067%; no homozygotes.

Submission:

PreventionGenetics, part of Exact Sciences
Classification: Likely benign for PCSK1-related condition. Last evaluated: 2023-08-09. Review status: no assertion criteria provided. Collection method: clinical testing. Allele origin: germline.
Comment: This variant is classified as likely benign based on ACMG/AMP sequence variant interpretation guidelines (Richards et al. 2015 PMID: 25741868, with internal and published modifications).

NM_000439.5(PCSK1):c.2193T>C (p.Thr731=)

Genes: CAST (calpastatin; plus strand), PCSK1 (proprotein convertase subtilisin/kexin type 1; minus strand), LOC101929710 (uncharacterized LOC101929710; plus strand). Cytogenetic location: 5q15.
Variant type: single nucleotide variant.
Coding change: c.2193T>C on transcript NM_000439.5 (MANE Select); coding-DNA position 2193, T replaced by C.
Protein change: p.Thr731=; no amino-acid change (threonine 731 retained).
Molecular consequence: synonymous variant. On other transcripts: intron variant (11).
Genome position (GRCh38, 1-based): chr5:96,393,070, A>G on the plus strand (T>C on the coding strand, the complement: PCSK1 is on the minus strand). VCF-style: chr5-96393070-A-G. GRCh37 (hg19) VCF-style: chr5-95728774-A-G.
Other names: c.2052T>C, p.Thr684= (NM_001177875.2); c.-175+13418A>G (NM_001423254.1, NM_001423259.1, NM_001423255.1 and 6 more transcripts); c.-103+13418A>G (NM_001423253.1); c.-40+13418A>G (NM_001423258.1).
Identifiers: ClinVar variation 3354956 (VCV003354956.1).